The following is an entry in ClinVar:

NM_006180.6(NTRK2):c.854-1G>A

Gene: NTRK2 (neurotrophic receptor tyrosine kinase 2; plus strand). Cytogenetic location: 9q21.33.
Variant type: single nucleotide variant.
Coding change: c.854-1G>A on transcript NM_006180.6 (MANE Select); the canonical splice acceptor site of the intron before coding-DNA position 854, G replaced by A.
Molecular consequence: splice acceptor variant. On other transcripts: intron variant (2).
Genome position (GRCh38, 1-based): chr9:84,727,653, G>A. VCF-style: chr9-84727653-G-A. GRCh37 (hg19) VCF-style: chr9-87342568-G-A.
Other names: c.854-1G>A (NM_001007097.3, NM_001369543.1, NM_001369545.1 and 16 more transcripts); c.854-40G>A (NM_001369546.1, NM_001291937.2); c.386-1G>A (NM_001369536.1, NM_001369535.1, NM_001369550.1 and 2 more transcripts).
Identifiers: ClinVar variation 3731085 (VCV003731085.2).
Genomic context (GRCh38, chr9:84,727,653, plus strand): 5'-TCTCGAGATGGGGAGAATTCTGAGCTTTCTGATGCTATTAACTCTCTCTTTTTCAATTTA[G>A]TTGCACCAACTATCACATTTCTCGAATCTCCAACCTCAGACCACCACTGGTGCATTCCAT-3'

ClinVar aggregate classification (germline): Uncertain significance (1 of 4 stars; one submission).

Submission:

GeneDx
Classification: Uncertain significance. Last evaluated: 2026-01-09. Review status: criteria provided, single submitter. Criteria: GeneDx Variant Classification Process June 2021. Collection method: clinical testing. Allele origin: germline.
Comment: Canonical splice site variant in a gene for which loss-of-function is not an established mechanism of disease; Not observed at significant frequency in large population cohorts (gnomAD); Has not been previously published as pathogenic or benign to our knowledge